The following is an entry in ClinVar:

NM_004370.6(COL12A1):c.4954A>T (p.Thr1652Ser)

Gene: COL12A1 (collagen type XII alpha 1 chain; minus strand). Cytogenetic location: 6q13.
Variant type: single nucleotide variant.
Coding change: c.4954A>T on transcript NM_004370.6 (MANE Select); coding-DNA position 4954, A replaced by T.
Protein change: p.Thr1652Ser; replaces threonine 1652 with serine.
Molecular consequence: missense variant.
Genome position (GRCh38, 1-based): chr6:75,142,035, T>A on the plus strand (A>T on the coding strand, the complement: COL12A1 is on the minus strand). VCF-style: chr6-75142035-T-A. GRCh37 (hg19) VCF-style: chr6-75851751-T-A.
Other names: c.4954A>T, p.Thr1652Ser (NM_001424113.1, NM_001424114.1); c.4681A>T, p.Thr1561Ser (NM_001424115.1); c.1462A>T, p.Thr488Ser (NM_001424116.1, NM_080645.3); short protein forms T1561S, T1652S, T488S.
Identifiers: ClinVar variation 3749455 (VCV003749455.2).

ClinVar aggregate classification (germline): Uncertain significance (1 of 4 stars; one submission).

Conditions:
Ullrich congenital muscular dystrophy 2 (UCMD2). Identifiers: Orphanet 75840, MedGen C4225314, MONDO:0014654, OMIM 616470.
Bethlem myopathy 2 (BTHLM2). Identifiers: Orphanet 536516, Orphanet 610, MedGen C4225313, MONDO:0034022, OMIM 616471.

gnomAD v4.1: 1 of 1,613,940 alleles (0.000062%); highest among the groups gnomAD compares: Non-Finnish European, 0.000085%; no homozygotes.

Submission:

Labcorp Genetics (formerly Invitae), Labcorp
Classification: Uncertain significance for Bethlem myopathy 2; Ullrich congenital muscular dystrophy 2. Last evaluated: 2024-05-07. Review status: criteria provided, single submitter. Criteria: Invitae Variant Classification Sherloc (09022015). Collection method: clinical testing. Allele origin: germline.
Comment: This sequence change replaces threonine, which is neutral and polar, with serine, which is neutral and polar, at codon 1652 of the COL12A1 protein (p.Thr1652Ser). This variant is not present in population databases (gnomAD no frequency). This variant has not been reported in the literature in individuals affected with COL12A1-related conditions. Advanced modeling of protein sequence and biophysical properties (such as structural, functional, and spatial information, amino acid conservation, physicochemical variation, residue mobility, and thermodynamic stability) has been performed at Invitae for this missense variant, however the output from this modeling did not meet the statistical confidence thresholds required to predict the impact of this variant on COL12A1 protein function. In summary, the available evidence is currently insufficient to determine the role of this variant in disease. Therefore, it has been classified as a Variant of Uncertain Significance.